The following is an entry in ClinVar:

ClinVar aggregate classification (germline): Conflicting classifications of pathogenicity. Review status: criteria provided, conflicting classifications (1 of 4 stars). 4 submissions from 4 submitters: Uncertain significance (2); Likely benign (2). Last evaluated 2025-09-18.

Conditions:
Familial thoracic aortic aneurysm and aortic dissection (TAAD). Also called: Thoracic aortic aneurysms and dissections. Identifiers: Orphanet 91387, MedGen C4707243, MONDO:0019625.
Shprintzen-Goldberg syndrome (SGS). Also called: Marfanoid disorder with craniosynostosis type 1; Marfanoid craniosynostosis syndrome; Shprintzen-Goldberg marfanoid syndrome; CRANIOSYNOSTOSIS WITH ARACHNODACTYLY AND ABDOMINAL HERNIAS; SHPRINTZEN-GOLDBERG CRANIOSYNOSTOSIS SYNDROME. Identifiers: Orphanet 2462, MedGen C1321551, MONDO:0008426, OMIM 182212.

Allele frequency attached by ClinVar (database versions not stated): ExAC 0.00014; gnomAD exomes 0.00002 and 0.00004; TOPMed 0.00022.
gnomAD v4.1: 54 of 1,550,500 alleles (0.0035%); highest among the groups gnomAD compares: African/African-American, 0.068%; no homozygotes.

Submissions (4):

Labcorp Genetics (formerly Invitae), Labcorp
Classification: Likely benign for Shprintzen-Goldberg syndrome. Last evaluated: 2025-09-18. Review status: criteria provided, single submitter. Criteria: Invitae Variant Classification Sherloc (09022015). Collection method: clinical testing. Allele origin: germline.

GeneDx
Classification: Uncertain significance. Last evaluated: 2025-05-27. Review status: criteria provided, single submitter. Criteria: GeneDx Variant Classification Process June 2021. Collection method: clinical testing. Allele origin: germline.
Comment: In silico analysis suggests that this missense variant does not alter protein structure/function; Has not been previously published as pathogenic or benign to our knowledge

Ambry Genetics
Classification: Likely benign for Familial thoracic aortic aneurysm and aortic dissection. Last evaluated: 2023-07-09. Review status: criteria provided, single submitter. Criteria: Ambry Variant Classification Scheme 2023. Collection method: clinical testing. Allele origin: germline.

Breakthrough Genomics
Classification: Uncertain significance. Review status: criteria provided, single submitter. Criteria: ACMG Guidelines, 2015. Collection method: not provided. Allele origin: germline. Inheritance: Autosomal dominant inheritance. Affected: yes.

NM_003036.4(SKI):c.227T>C (p.Leu76Pro)

Gene: SKI (SKI proto-oncogene; plus strand). Cytogenetic location: 1p36.33.
Variant type: single nucleotide variant.
Coding change: c.227T>C on transcript NM_003036.4 (MANE Select); coding-DNA position 227, T replaced by C.
Protein change: p.Leu76Pro; replaces leucine 76 with proline.
Molecular consequence: missense variant.
Genome position (GRCh38, 1-based): chr1:2,228,993, T>C. VCF-style: chr1-2228993-T-C. GRCh37 (hg19) VCF-style: chr1-2160432-T-C.
Other names: short protein forms L76P.
Identifiers: ClinVar variation 520167 (VCV000520167.13), dbSNP rs753070477, ClinGen allele CA536350.